The following is an entry in ClinVar:

ClinVar aggregate classification (germline): Pathogenic (1 of 4 stars; one submission).

Conditions:
Inborn genetic diseases. Identifiers: MedGen C0950123, MeSH D030342.

Submission:

Ambry Genetics
Classification: Pathogenic for Inborn genetic diseases. Last evaluated: 2026-06-03. Review status: criteria provided, single submitter. Criteria: Ambry Variant Classification Scheme 2023. Collection method: clinical testing. Allele origin: germline.
Comment: The c.2163delC (p.S721Rfs*12) alteration, located in exon 14 (coding exon 13) of the GLI3 gene, consists of a deletion of one nucleotide at position 2163, causing a translational frameshift with a predicted alternate stop codon after 12 amino acids. This variant is expected to result in loss of function by premature protein truncation or nonsense-mediated mRNA decay. for Greig cephalopolysyndactyly syndrome; however, its clinical significance for Pallister-Hall syndrome is uncertain This variant was not reported in population-based cohorts in the Genome Aggregation Database (gnomAD). Based on the available evidence, this alteration is classified as pathogenic.

NM_000168.6(GLI3):c.2163del (p.Ser721fs)

Gene: GLI3 (GLI family zinc finger 3; minus strand). Cytogenetic location: 7p14.1.
Variant type: Deletion.
Coding change: c.2163del on transcript NM_000168.6 (MANE Select); coding-DNA position 2163, one base deleted (C; older notation c.2163delC).
Protein change: p.Ser721fs; shifts the reading frame from serine 721.
Molecular consequence: frameshift variant.
Genome position (GRCh38, 1-based): chr7:41,967,864, G deleted on the plus strand (C on the coding strand, the reverse complement: GLI3 is on the minus strand). VCF-style (leftmost placement, unchanged base first): chr7-41967863-TG-T. GRCh37 (hg19) VCF-style: chr7-42007461-TG-T.
Other names: short protein forms S721fs.
Identifiers: ClinVar variation 4858108 (VCV004858108.1).
Genomic context (GRCh38, chr7:41,967,863, plus strand): 5'-TGAGGTCTCCTATACTACCTCCATCGGTCAGAGGAAGCTCGAGCCCACTGTTGGAATAGT[TG>T]CTGATGGGGGACTGTTGGCTGCTGCATGAAGACTGACCACCAGGGCTTGGCTGAGATGTC-3'